The following is an entry in ClinVar:

ClinVar aggregate classification (germline): Likely pathogenic (1 of 4 stars; one submission).

Conditions:
Immunodeficiency due to CD25 deficiency. Also called: IMMUNODEFICIENCY 41 WITH LYMPHOPROLIFERATION AND AUTOIMMUNITY; CD25 DEFICIENCY; IL2RA DEFICIENCY. Identifiers: Orphanet 169100, MedGen C1853392, MONDO:0011664, OMIM 606367.

Submission:

Labcorp Genetics (formerly Invitae), Labcorp
Classification: Likely pathogenic for Immunodeficiency due to CD25 deficiency. Last evaluated: 2024-01-10. Review status: criteria provided, single submitter. Criteria: Invitae Variant Classification Sherloc (09022015). Collection method: clinical testing. Allele origin: germline.
Comment: This sequence change affects an acceptor splice site in intron 3 of the IL2RA gene. It is expected to disrupt RNA splicing. Variants that disrupt the donor or acceptor splice site typically lead to a loss of protein function (PMID: 16199547), and loss-of-function variants in IL2RA are known to be pathogenic (PMID: 9096364, 17196245). This variant is not present in population databases (gnomAD no frequency). This variant has not been reported in the literature in individuals affected with IL2RA-related conditions. Algorithms developed to predict the effect of sequence changes on RNA splicing suggest that this variant may disrupt the consensus splice site. In summary, the currently available evidence indicates that the variant is pathogenic, but additional data are needed to prove that conclusively. Therefore, this variant has been classified as Likely Pathogenic.

Literature cited by the submitters: PubMed 16199547; PubMed 9096364; PubMed 17196245.

NM_000417.3(IL2RA):c.368-1G>A

Gene: IL2RA (interleukin 2 receptor subunit alpha; minus strand). Cytogenetic location: 10p15.1.
Variant type: single nucleotide variant.
Coding change: c.368-1G>A on transcript NM_000417.3 (MANE Select); the canonical splice acceptor site of the intron before coding-DNA position 368, G replaced by A.
Molecular consequence: splice acceptor variant. On other transcripts: intron variant (2).
Genome position (GRCh38, 1-based): chr10:6,021,694, C>T on the plus strand (G>A on the coding strand, the complement: IL2RA is on the minus strand). VCF-style: chr10-6021694-C-T. GRCh37 (hg19) VCF-style: chr10-6063657-C-T.
Other names: c.368-2195G>A (NM_001308243.2); c.368-1753G>A (NM_001308242.2).
Identifiers: ClinVar variation 2785669 (VCV002785669.3), dbSNP rs2539643473, ClinGen allele CA375927066.